The following is an entry in ClinVar:

ClinVar aggregate classification (germline): Uncertain significance (1 of 4 stars; one submission).

Conditions:
Epileptic encephalopathy. Identifiers: MedGen C0543888, HP:0200134.

Allele frequency attached by ClinVar (database versions not stated): gnomAD exomes 0.00001.
gnomAD v4.1: 7 of 1,612,330 alleles (0.00043%); highest among the groups gnomAD compares: East Asian, 0.016%; no homozygotes.

Submission:

Labcorp Genetics (formerly Invitae), Labcorp
Classification: Uncertain significance for Epileptic encephalopathy. Last evaluated: 2020-03-09. Review status: criteria provided, single submitter. Criteria: Invitae Variant Classification Sherloc (09022015). Collection method: clinical testing. Allele origin: germline.
Comment: This sequence change replaces leucine with valine at codon 865 of the RYR3 protein (p.Leu865Val). The leucine residue is highly conserved and there is a small physicochemical difference between leucine and valine. This variant is present in population databases (rs374984544, ExAC 0.01%). This variant has not been reported in the literature in individuals with RYR3-related conditions. Algorithms developed to predict the effect of missense changes on protein structure and function (SIFT, PolyPhen-2, Align-GVGD) all suggest that this variant is likely to be disruptive, but these predictions have not been confirmed by published functional studies and their clinical significance is uncertain. In summary, the available evidence is currently insufficient to determine the role of this variant in disease. Therefore, it has been classified as a Variant of Uncertain Significance.

NM_001036.6(RYR3):c.2593C>G (p.Leu865Val)

Gene: RYR3 (ryanodine receptor 3; plus strand). Cytogenetic location: 15q14.
Variant type: single nucleotide variant.
Coding change: c.2593C>G on transcript NM_001036.6 (MANE Select); coding-DNA position 2593, C replaced by G.
Protein change: p.Leu865Val; replaces leucine 865 with valine.
Molecular consequence: missense variant.
Genome position (GRCh38, 1-based): chr15:33,628,489, C>G. VCF-style: chr15-33628489-C-G. GRCh37 (hg19) VCF-style: chr15-33920690-C-G.
Other names: c.2593C>G, p.Leu865Val (NM_001243996.4); short protein forms L865V.
Identifiers: ClinVar variation 838407 (VCV000838407.9), dbSNP rs374984544, ClinGen allele CA7458479.